The following is an entry in ClinVar:

ClinVar aggregate classification (germline): Conflicting classifications of pathogenicity. Review status: criteria provided, conflicting classifications (1 of 4 stars). 8 submissions from 6 submitters: Uncertain significance (2); Benign (1); Likely benign (5). Last evaluated 2025-11-04.

Conditions:
Cardiovascular phenotype. Identifiers: MedGen CN230736.
MYH7-related skeletal myopathy. Also called: Myopathy, distal, 1; MYOPATHY, DISTAL, EARLY-ONSET, AUTOSOMAL DOMINANT; MYOPATHY, LATE DISTAL HEREDITARY; Laing distal myopathy; Laing early-onset distal myopathy. Identifiers: Orphanet 59135, MedGen C4552004, MONDO:0008050, OMIM 160500.
Myosin storage myopathy (CMYO7A). Also called: MYOPATHY, HYALINE BODY, AUTOSOMAL DOMINANT; Scapuloperoneal myopathy, MYH7-related; MYOPATHY WITH LYSIS OF TYPE I MYOFIBRILS; SCAPULOPERONEAL MUSCULAR DYSTROPHY; SCAPULOPERONEAL SYNDROME, MYOPATHIC TYPE; MYH7-related late-onset scapuloperoneal muscular dystrophy. Identifiers: Orphanet 437572, Orphanet 636965, MedGen C1842160, MONDO:0008409, OMIM 608358.
Hypertrophic cardiomyopathy 1 (CMH1). Also called: Familial hypertrophic cardiomyopathy 1; MYH7-Related Familial Hypertrophic Cardiomyopathy. Identifiers: MedGen C3495498, MONDO:0008647, OMIM 192600.
Cardiomyopathy (CMYO). Also called: Cardiomyopathies. Identifiers: Orphanet 167848, MedGen C0878544, MONDO:0004994, HP:0001638. Inheritance: Various modes of inheritance.
Hypertrophic cardiomyopathy. Also called: HYPERTROPHIC MYOCARDIOPATHY. Identifiers: Orphanet 217569, MedGen C0007194, MeSH D002312, MONDO:0005045, HP:0001639.

Allele frequency attached by ClinVar (database versions not stated): gnomAD 0.00009; TOPMed 0.00011; ExAC 0.00012.
gnomAD v4.1: 71 of 1,614,080 alleles (0.0044%); highest among the groups gnomAD compares: South Asian, 0.048%; no homozygotes.

Submissions (8):

Labcorp Genetics (formerly Invitae), Labcorp
Classification: Likely benign for Hypertrophic cardiomyopathy. Last evaluated: 2025-11-04. Review status: criteria provided, single submitter. Criteria: Invitae Variant Classification Sherloc (09022015). Collection method: clinical testing. Allele origin: germline.

Women's Health and Genetics/Laboratory Corporation of America, LabCorp
Classification: Likely benign. Last evaluated: 2024-12-06. Review status: criteria provided, single submitter. Criteria: LabCorp Variant Classification Summary - May 2015. Collection method: clinical testing. Allele origin: germline.

All of Us Research Program, National Institutes of Health
Classification: Likely benign for Cardiomyopathy. Last evaluated: 2023-12-01. Review status: criteria provided, single submitter. Criteria: ACMG Guidelines, 2015. Collection method: clinical testing. Allele origin: germline. Inheritance: Autosomal dominant inheritance. Observed: 9 variant alleles, 9 heterozygotes.
Comment: This study involves interpretation of variants in research participants for the purpose of population health screening. Participant phenotype was not available at the time of variant classification. Additional details can be found in publication PMID: 35346344, PMCID: PMC8962531

Ambry Genetics
Classification: Likely benign for Cardiovascular phenotype. Last evaluated: 2020-02-24. Review status: criteria provided, single submitter. Criteria: Ambry Variant Classification Scheme 2023. Collection method: clinical testing. Allele origin: germline.

Color Diagnostics, LLC DBA Color Health
Classification: Likely benign for Cardiomyopathy. Last evaluated: 2018-10-16. Review status: criteria provided, single submitter. Criteria: ACMG Guidelines, 2015. Collection method: clinical testing. Allele origin: germline.

Illumina Laboratory Services, Illumina
Classification: Uncertain significance for Myosin storage myopathy. Last evaluated: 2018-01-13. Review status: criteria provided, single submitter. Criteria: ICSL Variant Classification Criteria 13 December 2019. Collection method: clinical testing. Allele origin: germline.

Illumina Laboratory Services, Illumina
Classification: Benign for MYH7-related skeletal myopathy. Last evaluated: 2018-01-13. Review status: criteria provided, single submitter. Criteria: ICSL Variant Classification Criteria 13 December 2019. Collection method: clinical testing. Allele origin: germline.
Comment: This variant was observed in the ICSL laboratory as part of a predisposition screen in an ostensibly healthy population. It had not been previously curated by ICSL or reported in the Human Gene Mutation Database (HGMD: prior to June 1st, 2018), and was therefore a candidate for classification through an automated scoring system. Utilizing variant allele frequency, disease prevalence and penetrance estimates, and inheritance mode, an automated score was calculated to assess if this variant is too frequent to cause the disease. Based on the score and internal cut-off values, a variant classified as benign is not then subjected to further curation. The score for this variant resulted in a classification of benign for this disease.

Illumina Laboratory Services, Illumina
Classification: Uncertain significance for Hypertrophic cardiomyopathy 1. Last evaluated: 2018-01-13. Review status: criteria provided, single submitter. Criteria: ICSL Variant Classification Criteria 13 December 2019. Collection method: clinical testing. Allele origin: germline.

NM_000257.4(MYH7):c.5394C>T (p.Asp1798=)

Gene: MYH7 (myosin heavy chain 7; minus strand). Cytogenetic location: 14q11.2.
Variant type: single nucleotide variant.
Coding change: c.5394C>T on transcript NM_000257.4 (MANE Select); coding-DNA position 5394, C replaced by T.
Protein change: p.Asp1798=; no amino-acid change (aspartic acid 1798 retained).
Molecular consequence: synonymous variant.
Genome position (GRCh38, 1-based): chr14:23,415,160, G>A on the plus strand (C>T on the coding strand, the complement: MYH7 is on the minus strand). VCF-style: chr14-23415160-G-A. GRCh37 (hg19) VCF-style: chr14-23884369-G-A.
Other names: c.5394C>T (LRG_384t1).
Identifiers: ClinVar variation 312890 (VCV000312890.23), dbSNP rs777053791, ClinGen allele CA046635.